The following is an entry in ClinVar:

ClinVar aggregate classification (germline): Uncertain significance (1 of 4 stars; one submission).

Conditions:
Hereditary spastic paraplegia 11. Also called: Spastic Paraplegia 11; Nakamura Osame syndrome; Autosomal recessive hereditary spastic paraplegia, mental impairment, and thin corpus callosum; SPASTIC PARAPLEGIA, AUTOSOMAL RECESSIVE, COMPLICATED, WITH THIN CORPUS CALLOSUM; SPASTIC PARAPLEGIA, AUTOSOMAL RECESSIVE, WITH MENTAL IMPAIRMENT AND THIN CORPUS CALLOSUM; Spastic paraplegia, mental retardation and thin corpus callosum. Identifiers: Orphanet 2822, MedGen C1858479, MONDO:0011445, OMIM 604360.

Submission:

Labcorp Genetics (formerly Invitae), Labcorp
Classification: Uncertain significance for Hereditary spastic paraplegia 11. Last evaluated: 2022-01-13. Review status: criteria provided, single submitter. Criteria: Invitae Variant Classification Sherloc (09022015). Collection method: clinical testing. Allele origin: germline.
Comment: This sequence change replaces glycine, which is neutral and non-polar, with alanine, which is neutral and non-polar, at codon 2005 of the SPG11 protein (p.Gly2005Ala). In summary, the available evidence is currently insufficient to determine the role of this variant in disease. Therefore, it has been classified as a Variant of Uncertain Significance. Algorithms developed to predict the effect of missense changes on protein structure and function are either unavailable or do not agree on the potential impact of this missense change (SIFT: "Tolerated"; PolyPhen-2: "Probably Damaging"; Align-GVGD: "Class C0"). This variant has not been reported in the literature in individuals affected with SPG11-related conditions. This variant is not present in population databases (gnomAD no frequency).

NM_025137.4(SPG11):c.6014G>C (p.Gly2005Ala)

Gene: SPG11 (SPG11 vesicle trafficking associated, spatacsin; minus strand). Cytogenetic location: 15q21.1.
Variant type: single nucleotide variant.
Coding change: c.6014G>C on transcript NM_025137.4 (MANE Select); coding-DNA position 6014, G replaced by C.
Protein change: p.Gly2005Ala; replaces glycine 2005 with alanine.
Molecular consequence: missense variant. On other transcripts: intron variant (1).
Genome position (GRCh38, 1-based): chr15:44,573,738, C>G on the plus strand (G>C on the coding strand, the complement: SPG11 is on the minus strand). VCF-style: chr15-44573738-C-G. GRCh37 (hg19) VCF-style: chr15-44865936-C-G.
Other names: c.5867-918G>C (NM_001160227.2); short protein forms G2005A.
Identifiers: ClinVar variation 1351270 (VCV001351270.6), dbSNP rs2140929215, ClinGen allele CA392218486.
Genomic context (GRCh38, chr15:44,573,738, plus strand): 5'-GCCAAGATTTTCCGGAGCATGGCTTCACCATCCTGAGCAGCAACATCTGTGTAGGAACAG[C>G]CCAACTCCTGAGAGGAAGACAAAGCCAGTCAAGGCCACTTTTAGAAGCCAGGAAAAAGCA-3'
Protein context (NP_079413.3, residues 1995-2015): LCLYDLAKEL[Gly2005Ala]CSYTDVAAQD